The following is an entry in ClinVar:

ClinVar aggregate classification (germline): Uncertain significance (1 of 4 stars; one submission).

Allele frequency attached by ClinVar (database versions not stated): gnomAD exomes below 0.00001.
gnomAD v4.1: 2 of 1,614,138 alleles (0.00012%); highest among the groups gnomAD compares: Non-Finnish European, 0.00017%; no homozygotes.

Submission:

CeGaT Center for Human Genetics Tuebingen
Classification: Uncertain significance. Last evaluated: 2022-05-01. Review status: criteria provided, single submitter. Criteria: CeGaT Center For Human Genetics Tuebingen Variant Classification Criteria Version 2. Collection method: clinical testing. Allele origin: germline. Affected: yes. Observed: 1 variant allele.
Comment: FBN2: PM2

NM_001999.4(FBN2):c.2918A>G (p.Asn973Ser)

Gene: FBN2 (fibrillin 2; minus strand). Cytogenetic location: 5q23.3.
Variant type: single nucleotide variant.
Coding change: c.2918A>G on transcript NM_001999.4 (MANE Select); coding-DNA position 2918, A replaced by G.
Protein change: p.Asn973Ser; replaces asparagine 973 with serine.
Molecular consequence: missense variant.
Genome position (GRCh38, 1-based): chr5:128,349,418, T>C on the plus strand (A>G on the coding strand, the complement: FBN2 is on the minus strand). VCF-style: chr5-128349418-T-C. GRCh37 (hg19) VCF-style: chr5-127685110-T-C.
Other names: short protein forms N973S.
Identifiers: ClinVar variation 1695139 (VCV001695139.31), dbSNP rs2126919826, ClinGen allele CA360765389.
Genomic context (GRCh38, chr5:128,349,418, plus strand): 5'-CGGCCAGTCCCATCCAACGTAAGGCCTTCAGGGCACTCGCAATGAAAAGATCCCTTACTG[T>C]TGACACAGCGTCCATTTGGACAAACGCCAGGGAACACCTCACACTCATTAACATCTGCAG-3'
Protein context (NP_001990.2, residues 963-983): PGVCPNGRCV[Asn973Ser]SKGSFHCECP